The following is an entry in ClinVar:

NC_000021.8:g.(?_45716246)_(45717610_?)del

Gene: AIRE (autoimmune regulator; plus strand). Cytogenetic location: 21q22.3.
Variant type: Deletion.
Identifiers: ClinVar variation 3248143 (VCV003248143.1).

ClinVar aggregate classification (germline): Pathogenic (1 of 4 stars; one submission).

Conditions:
Polyglandular autoimmune syndrome, type 1 (APS1). Also called: AUTOIMMUNE POLYENDOCRINE SYNDROME, TYPE I, WITH OR WITHOUT REVERSIBLE METAPHYSEAL DYSPLASIA; Whitaker syndrome; APS I; Autoimmune polyendocrinopathy syndrome, type I; HYPOADRENOCORTICISM WITH HYPOPARATHYROIDISM AND SUPERFICIAL MONILIASIS; PGA I. Identifiers: Orphanet 3453, MedGen C0085859, MONDO:0009411, OMIM 240300.

Submission:

Labcorp Genetics (formerly Invitae), Labcorp
Classification: Pathogenic for Polyglandular autoimmune syndrome, type 1. Last evaluated: 2023-06-23. Review status: criteria provided, single submitter. Criteria: Invitae Variant Classification Sherloc (09022015). Collection method: clinical testing. Allele origin: unknown.
Comment: This variant disrupts a region of the AIRE protein in which other variant(s) (p.Pro539Leu) have been determined to be pathogenic (PMID: 11836330, 15811934, 17289071, 21295522, 28446514). This suggests that this is a clinically significant region of the protein, and that variants that disrupt it are likely to be disease-causing. For these reasons, this variant has been classified as Pathogenic. This variant has not been reported in the literature in individuals affected with AIRE-related conditions. This variant is a gross deletion of the genomic region encompassing exon(s) 13-14 of the AIRE gene, which includes the termination codon. This deletion extends beyond the assayed region for this gene and therefore may encompass additional genes. While this deletion is not anticipated to lead to nonsense mediated decay, it is expected to alter mRNA translation or result in a truncated protein product.

Literature cited by the submitters: PubMed 11836330; PubMed 15811934; PubMed 17289071; PubMed 21295522; PubMed 28446514.